The following is an entry in ClinVar:

ClinVar aggregate classification (germline): Likely benign. Review status: criteria provided, multiple submitters, no conflicts (2 of 4 stars). 2 submissions from 2 submitters: Likely benign (2). Last evaluated 2025-02-16.

Submissions (2):

Laboratory of Genetics, Children's Clinical University Hospital Latvia
Classification: Likely benign. Last evaluated: 2025-02-16. Review status: criteria provided, single submitter. Criteria: ACMG Guidelines, 2015. Collection method: clinical testing. Allele origin: germline. Affected: yes.

CeGaT Center for Human Genetics Tuebingen
Classification: Likely benign. Last evaluated: 2023-01-01. Review status: criteria provided, single submitter. Criteria: CeGaT Center For Human Genetics Tuebingen Variant Classification Criteria Version 2. Collection method: clinical testing. Allele origin: germline. Affected: yes. Observed: 1 variant allele.
Comment: TOP2B: BP4, BS1

NM_001330700.2(TOP2B):c.396-8_396-5del

Gene: TOP2B (DNA topoisomerase II beta; minus strand). Cytogenetic location: 3p24.2.
Variant type: Deletion.
Coding change: c.396-8_396-5del on transcript NM_001330700.2 (MANE Select); 8 bases into the intron before coding-DNA position 396 through 5 bases into the intron before coding-DNA position 396, 4 bases deleted (TTTT; older notation c.396-8_396-5delTTTT).
Molecular consequence: intron variant.
Genome position (GRCh38, 1-based): chr3:25,638,315-25,638,318, AAAA deleted on the plus strand (TTTT on the coding strand, the reverse complement: TOP2B is on the minus strand); deleting any 4 consecutive bases within chr3:25,638,315-25,638,352 gives the same sequence; the c. name uses the placement nearest the transcript's 3' end. VCF-style (leftmost placement, unchanged base first): chr3-25638314-TAAAA-T. GRCh37 (hg19) VCF-style: chr3-25679805-TAAAA-T.
Other names: c.381-8_381-5del (NM_001068.3).
Identifiers: ClinVar variation 2653632 (VCV002653632.25), dbSNP rs56986587, ClinGen allele CA905648730.